The following is an entry in ClinVar:

NM_001023570.4(IQCB1):c.1441G>A (p.Glu481Lys)

Gene: IQCB1 (IQ motif containing B1; minus strand). Cytogenetic location: 3q13.33.
Variant type: single nucleotide variant.
Coding change: c.1441G>A on transcript NM_001023570.4 (MANE Select); coding-DNA position 1441, G replaced by A.
Protein change: p.Glu481Lys; replaces glutamic acid 481 with lysine.
Molecular consequence: missense variant. On other transcripts: non-coding transcript variant (1).
Genome position (GRCh38, 1-based): chr3:121,772,683, C>T on the plus strand (G>A on the coding strand, the complement: IQCB1 is on the minus strand). VCF-style: chr3-121772683-C-T. GRCh37 (hg19) VCF-style: chr3-121491530-C-T.
Other names: p.Glu481Lys; c.1042G>A, p.Glu348Lys (NM_001023571.4); c.1441G>A, p.Glu481Lys (NM_001319107.2); c.1441G>A (NM_001023570.3); short protein forms E481K, E348K.
Identifiers: ClinVar variation 220867 (VCV000220867.35), dbSNP rs140630401, ClinGen allele CA348358.

ClinVar aggregate classification (germline): Conflicting classifications of pathogenicity. Review status: criteria provided, conflicting classifications (1 of 4 stars). 10 submissions from 10 submitters: Uncertain significance (3); Likely benign (5). 2 of the submissions do not count toward it. Last evaluated 2026-02-01.

Conditions:
IQCB1-related disorder. Also called: IQCB1-related condition.
Nephronophthisis. Also called: Juvenile Nephronophthisis. Identifiers: Orphanet 655, MedGen C0687120, MONDO:0019005, HP:0000090.
Retinitis pigmentosa (RP). Identifiers: Orphanet 791, MedGen C0035334, MeSH D012174, MONDO:0019200, OMIM 268000. Inheritance: Autosomal dominant, autosomal recessive and X linked inheritance.
Senior-Loken syndrome 5 (SLSN5). Identifiers: Orphanet 3156, MedGen C1836517, MONDO:0012225, OMIM 609254.

Allele frequency attached by ClinVar (database versions not stated): 1000 Genomes Project 30x 0.00031; 1000 Genomes Project 0.00040; ExAC 0.00109; gnomAD exomes 0.00110 and 0.00211; ESP Exome Variant Server 0.00138; gnomAD 0.00144 and 0.00145; TOPMed 0.00164.

Submissions (10):

Labcorp Genetics (formerly Invitae), Labcorp
Classification: Likely benign for Nephronophthisis. Last evaluated: 2026-02-01. Review status: criteria provided, single submitter. Criteria: Invitae Variant Classification Sherloc (09022015). Collection method: clinical testing. Allele origin: germline.

Mayo Clinic Laboratories, Mayo Clinic
Classification: Likely benign. Last evaluated: 2025-09-10. Review status: criteria provided, single submitter. Criteria: ACMG Guidelines, 2015. Collection method: clinical testing. Allele origin: germline. Observed: 1 variant allele.
Comment: BS1, BS2_supporting

CeGaT Center for Human Genetics Tuebingen
Classification: Likely benign. Last evaluated: 2025-06-01. Review status: criteria provided, single submitter. Criteria: CeGaT Center For Human Genetics Tuebingen Variant Classification Criteria Version 2. Collection method: clinical testing. Allele origin: germline. Affected: yes. Observed: 1 variant allele.
Comment: IQCB1: BS1

Blueprint Genetics
Classification: Likely benign. Last evaluated: 2024-11-22. Review status: criteria provided, single submitter. Criteria: ACMG Guidelines, 2015. Collection method: clinical testing. Allele origin: germline.

Fulgent Genetics
Classification: Likely benign for Senior-Loken syndrome 5. Last evaluated: 2024-05-21. Review status: criteria provided, single submitter. Criteria: ACMG Guidelines, 2015. Collection method: clinical testing. Allele origin: germline.

GeneDx
Classification: Uncertain significance. Last evaluated: 2023-05-30. Review status: criteria provided, single submitter. Criteria: GeneDx Variant Classification Process June 2021. Collection method: clinical testing. Allele origin: germline. Affected: yes.
Comment: In silico analysis supports that this missense variant has a deleterious effect on protein structure/function; This variant is associated with the following publications: (PMID: 32483926, 30718709, 22261762, 31738409, 22773737, 34426522)

Revvity Omics, Revvity
Classification: Uncertain significance for Senior-Loken syndrome 5. Last evaluated: 2020-05-05. Review status: criteria provided, single submitter. Criteria: ACMG Guidelines, 2015. Collection method: clinical testing. Allele origin: germline.

Illumina Laboratory Services, Illumina
Classification: Uncertain significance for Senior-Loken syndrome 5. Last evaluated: 2017-04-27. Review status: criteria provided, single submitter. Criteria: ICSL Variant Classification Criteria 13 December 2019. Collection method: clinical testing. Allele origin: germline.
Comment: This variant was observed as part of a predisposition screen in an ostensibly healthy population. A literature search was performed for the gene, cDNA change, and amino acid change (where applicable). Publications were found based on this search. However, the evidence from the literature, in combination with allele frequency data from public databases where available, was not sufficient to rule this variant in or out of causing disease. Therefore, this variant is classified as a variant of unknown significance.

PreventionGenetics, part of Exact Sciences
Classification: Likely benign for IQCB1-related condition. Last evaluated: 2022-07-13. Review status: no assertion criteria provided. Collection method: clinical testing. Allele origin: germline. Not counted in ClinVar's aggregate classification.
Comment: This variant is classified as likely benign based on ACMG/AMP sequence variant interpretation guidelines (Richards et al. 2015 PMID: 25741868, with internal and published modifications).

Department of Clinical Genetics, Copenhagen University Hospital, Rigshospitalet
Classification: Likely pathogenic for Retinitis pigmentosa. Last evaluated: 2018-04-01. Review status: no assertion criteria provided. Collection method: research. Allele origin: unknown. Affected: yes. Study: VeluxRD. Not counted in ClinVar's aggregate classification.

Literature cited by the submitters: PubMed 22261762 (cited by Mayo Clinic Laboratories, Mayo Clinic and Illumina Laboratory Services, Illumina); PubMed 32483926 (cited by Mayo Clinic Laboratories, Mayo Clinic); PubMed 22773737 (cited by Illumina Laboratory Services, Illumina); PubMed 30718709 (cited by Department of Clinical Genetics, Copenhagen University Hospital, Rigshospitalet).